The following is an entry in ClinVar:

NM_000091.5(COL4A3):c.4918A>T (p.Arg1640Ter)

Genes: COL4A3 (collagen type IV alpha 3 chain; plus strand), MFF-DT (MFF divergent transcript; minus strand). Cytogenetic location: 2q36.3.
Variant type: single nucleotide variant.
Coding change: c.4918A>T on transcript NM_000091.5 (MANE Select); coding-DNA position 4918, A replaced by T.
Protein change: p.Arg1640Ter; replaces arginine 1640 with a stop codon.
Molecular consequence: nonsense.
Genome position (GRCh38, 1-based): chr2:227,310,938, A>T. VCF-style: chr2-227310938-A-T. GRCh37 (hg19) VCF-style: chr2-228175654-A-T.
Other names: short protein forms R1640*.
Identifiers: ClinVar variation 2753848 (VCV002753848.3), dbSNP rs2469946754, ClinGen allele CA350866662.

ClinVar aggregate classification (germline): Pathogenic (1 of 4 stars; one submission).

Submission:

Labcorp Genetics (formerly Invitae), Labcorp
Classification: Pathogenic. Last evaluated: 2023-08-18. Review status: criteria provided, single submitter. Criteria: Invitae Variant Classification Sherloc (09022015). Collection method: clinical testing. Allele origin: germline.
Comment: This variant disrupts a region of the COL4A3 protein in which other variant(s) (p.Cys1665Tyr) have been determined to be pathogenic (PMID: 24052634; Invitae). This suggests that this is a clinically significant region of the protein, and that variants that disrupt it are likely to be disease-causing. This variant has not been reported in the literature in individuals affected with COL4A3-related conditions. This variant is not present in population databases (gnomAD no frequency). This sequence change creates a premature translational stop signal (p.Arg1640*) in the COL4A3 gene. While this is not anticipated to result in nonsense mediated decay, it is expected to disrupt the last 31 amino acid(s) of the COL4A3 protein. For these reasons, this variant has been classified as Pathogenic.

Literature cited by the submitters: PubMed 24052634.